The following is an entry in ClinVar:

NM_005045.4(RELN):c.29C>T (p.Thr10Ile)

Gene: RELN (reelin; minus strand). Cytogenetic location: 7q22.1.
Variant type: single nucleotide variant.
Coding change: c.29C>T on transcript NM_005045.4 (MANE Select); coding-DNA position 29, C replaced by T.
Protein change: p.Thr10Ile; replaces threonine 10 with isoleucine.
Molecular consequence: missense variant.
Genome position (GRCh38, 1-based): chr7:103,989,328, G>A on the plus strand (C>T on the coding strand, the complement: RELN is on the minus strand). VCF-style: chr7-103989328-G-A. GRCh37 (hg19) VCF-style: chr7-103629775-G-A.
Other names: c.29C>T, p.Thr10Ile (NM_173054.3); short protein forms T10I.
Identifiers: ClinVar variation 5020347 (VCV005020347.1).

ClinVar aggregate classification (germline): Uncertain significance (1 of 4 stars; one submission).

gnomAD v4.1: 1 of 1,583,076 alleles (0.000063%); highest among the groups gnomAD compares: Non-Finnish European, 0.000086%; no homozygotes.

Submission:

Dasa
Classification: Uncertain significance. Last evaluated: 2026-06-18. Review status: criteria provided, single submitter. Criteria: DASA Assertion Criteria. Collection method: clinical testing. Allele origin: germline.
Comment: NM_005045.4(RELN):c.29C>T (p.Thr10Ile) is a missense variant that results in the substitution of threonine with isoleucine. This variant is rare in population databases. Computational prediction algorithms are consistent with a benign effect. The currently available literature and clinical evidence are not sufficient to establish a definitive association between this variant and the reported condition. Therefore, this variant is classified as a variant of uncertain significance.